The following is an entry in ClinVar:

ClinVar aggregate classification (germline): Uncertain significance (1 of 4 stars; one submission).

Conditions:
Neuroblastoma, susceptibility to, 3. Also called: ALK-Related Neuroblastic Tumor Susceptibility. Identifiers: Orphanet 635, MedGen C2751681, MONDO:0013083, OMIM 613014.

Submission:

Labcorp Genetics (formerly Invitae), Labcorp
Classification: Uncertain significance for Neuroblastoma, susceptibility to, 3. Last evaluated: 2024-09-14. Review status: criteria provided, single submitter. Criteria: Invitae Variant Classification Sherloc (09022015). Collection method: clinical testing. Allele origin: germline.
Comment: This sequence change creates a premature translational stop signal (p.Gln438*) in the ALK gene. It is expected to result in an absent or disrupted protein product. However, the current clinical and genetic evidence is not sufficient to establish whether loss-of-function variants in ALK cause disease. This variant is not present in population databases (gnomAD no frequency). This variant has not been reported in the literature in individuals affected with ALK-related conditions. In summary, the available evidence is currently insufficient to determine the role of this variant in disease. Therefore, it has been classified as a Variant of Uncertain Significance.

NM_004304.5(ALK):c.1312C>T (p.Gln438Ter)

Gene: ALK (ALK receptor tyrosine kinase; minus strand). Cytogenetic location: 2p23.2.
Variant type: single nucleotide variant.
Coding change: c.1312C>T on transcript NM_004304.5 (MANE Select); coding-DNA position 1312, C replaced by T.
Protein change: p.Gln438Ter; replaces glutamine 438 with a stop codon.
Molecular consequence: nonsense.
Genome position (GRCh38, 1-based): chr2:29,328,452, G>A on the plus strand (C>T on the coding strand, the complement: ALK is on the minus strand). VCF-style: chr2-29328452-G-A. GRCh37 (hg19) VCF-style: chr2-29551318-G-A.
Other names: short protein forms Q438*.
Identifiers: ClinVar variation 3717025 (VCV003717025.2).